The following is an entry in ClinVar:

NC_000022.11:g.(?_31798562)_(31798676_?)del

Gene: DEPDC5 (DEP domain containing 5, GATOR1 subcomplex subunit; plus strand). Cytogenetic location: 22q12.2.
Variant type: Deletion.
Identifiers: ClinVar variation 830921 (VCV000830921.7).

ClinVar aggregate classification (germline): Uncertain significance (1 of 4 stars; one submission).

Conditions:
Familial focal epilepsy with variable foci (FPEVF). Identifiers: Orphanet 98820, MedGen C1858477, MONDO:0020310.

Submission:

Labcorp Genetics (formerly Invitae), Labcorp
Classification: Uncertain significance for Familial focal epilepsy with variable foci. Last evaluated: 2020-01-25. Review status: criteria provided, single submitter. Criteria: Invitae Variant Classification Sherloc (09022015). Collection method: clinical testing. Allele origin: germline.
Comment: In summary, the available evidence is currently insufficient to determine the role of this variant in disease. Therefore, it has been classified as a Variant of Uncertain Significance. Experimental studies and prediction algorithms are not available or were not evaluated, and the functional significance of this variant is currently unknown. This variant has been observed in individual(s) with clinical features of DEPDC5-related epilepsy (Invitae). This variant is an in-frame deletion of the genomic region encompassing exon 14 of the DEPDC5 gene. It preserves the integrity of the reading frame.